The following is an entry in ClinVar:

NM_005475.3(SH2B3):c.1468C>T (p.Pro490Ser)

Gene: SH2B3 (SH2B adaptor protein 3; plus strand). Cytogenetic location: 12q24.12.
Variant type: single nucleotide variant.
Coding change: c.1468C>T on transcript NM_005475.3 (MANE Select); coding-DNA position 1468, C replaced by T.
Protein change: p.Pro490Ser; replaces proline 490 with serine.
Molecular consequence: missense variant.
Genome position (GRCh38, 1-based): chr12:111,448,042, C>T. VCF-style: chr12-111448042-C-T. GRCh37 (hg19) VCF-style: chr12-111885846-C-T.
Other names: c.862C>T, p.Pro288Ser (NM_001291424.1); short protein forms P288S, P490S.
Identifiers: ClinVar variation 3795216 (VCV003795216.1).

ClinVar aggregate classification (germline): Uncertain significance (1 of 4 stars; one submission).

Conditions:
Inborn genetic diseases. Identifiers: MedGen C0950123, MeSH D030342.

gnomAD v4.1: 1 of 1,613,940 alleles (0.000062%); highest among the groups gnomAD compares: Non-Finnish European, 0.000085%; no homozygotes.

Submission:

Ambry Genetics
Classification: Uncertain significance for Inborn genetic diseases. Last evaluated: 2025-02-21. Review status: criteria provided, single submitter. Criteria: Ambry Variant Classification Scheme 2023. Collection method: clinical testing. Allele origin: germline.
Comment: The p.P490S variant (also known as c.1468C>T), located in coding exon 7 of the SH2B3 gene, results from a C to T substitution at nucleotide position 1468. The proline at codon 490 is replaced by serine, an amino acid with similar properties. This amino acid position is conserved. In addition, this alteration is predicted to be tolerated by in silico analysis. Based on the available evidence, the clinical significance of this variant remains unclear.